The following is an entry in ClinVar:

NC_000016.9:g.(89595988_89597090)_(89620972_89623294)del

Gene: SPG7 (SPG7 matrix AAA peptidase subunit, paraplegin; plus strand). Cytogenetic location: 16q24.3.
Variant type: Deletion.
Identifiers: ClinVar variation 2682507 (VCV002682507.1).

ClinVar aggregate classification (germline): Pathogenic (1 of 4 stars; one submission).

Conditions:
Hereditary spastic paraplegia 7 (SPG7). Also called: Autosomal recessive spastic paraplegia type 7; SPASTIC PARAPLEGIA 7, AUTOSOMAL RECESSIVE, WITH OR WITHOUT CEREBELLAR ATAXIA; Spastic paraplegia 7; Hereditary spastic paraplegia Paraplegin type; SPG7-related neurologic disorder. Identifiers: Orphanet 99013, MedGen C1846564, MONDO:0011803, OMIM 607259.

Submission:

Women's Health and Genetics/Laboratory Corporation of America, LabCorp
Classification: Pathogenic for Hereditary spastic paraplegia 7. Last evaluated: 2023-11-14. Review status: criteria provided, single submitter. Criteria: LabCorp Variant Classification Summary - May 2015. Collection method: clinical testing. Allele origin: germline.
Comment: Variant summary: The variant involves the deletion of exons 7-16 in the SPG7 gene. A presumed nomenclature of c.(861+1_862-1)_(2181+1_2182-1)del has been designated for the purposes of this classification. This Copy Number Variant (CNV) is predicted to result in an in-frame deletion within this gene. The variant was absent in 21694 control chromosomes (gnomAD, Structural Variants dataset). To our knowledge, no occurrence of c.(861+1_862-1)_(2181+1_2182-1)del in individuals affected with Hereditary Spastic Paraplegia 7 and no experimental evidence demonstrating its impact on protein function have been reported. Deletion in the overlapping region has been classified pathogenic in ClinVar (CV IDs: 1459933). No submitters have cited clinical-significance assessments for this variant to ClinVar after 2014. Based on the evidence outlined above, the variant was classified as pathogenic.